The following is an entry in ClinVar:

ClinVar aggregate classification (germline): Pathogenic/Likely pathogenic. Review status: criteria provided, multiple submitters, no conflicts (2 of 4 stars). 3 submissions from 3 submitters: Pathogenic (1); Likely pathogenic (1). 1 of the submissions does not count toward it. Last evaluated 2026-02-10.

Conditions:
Tuberous sclerosis syndrome (TSC). Also called: Tuberous Sclerosis Complex; Tuberous sclerosis. Identifiers: Orphanet 805, MedGen C0041341, MONDO:0001734.
Tuberous sclerosis 2 (TSC2). Identifiers: Orphanet 805, MedGen C1860707, MONDO:0013199, OMIM 613254.

Submissions (3):

Institute of Medical Genetics and Applied Genomics, University Hospital Tübingen
Classification: Pathogenic for Tuberous sclerosis syndrome. Last evaluated: 2026-02-10. Review status: criteria provided, single submitter. Criteria: ACMG Guidelines, 2015. Collection method: clinical testing. Allele origin: germline. Inheritance: Autosomal dominant inheritance. Affected: yes.

Neuberg Centre For Genomic Medicine, NCGM
Classification: Likely pathogenic for Tuberous sclerosis 2. Review status: criteria provided, single submitter. Criteria: ACMG Guidelines, 2015. Collection method: clinical testing. Allele origin: germline. Inheritance: Autosomal dominant inheritance. Affected: yes.
Comment: The frameshift deletion p.E498Rfs*37 in TSC2 (NM_000548.5) has not been reported previously as a pathogenic variant nor as a benign variant, to our knowledge. The p.E498Rfs*37 variant is novel (not in any individuals) in gnomAD Exomes and is novel (not in any individuals) in 1000 Genomes. This variant is predicted to cause loss of normal protein function through protein truncation caused a frameshift mutation. The frame shifted sequence continues 37 residues until a stop codon is reached. The gene TSC2 has a low rate of benign loss of function variants as indicated by a high LoF variants Z-Score of 7.28. The p.E498Rfs*37 variant is a loss of function variant in the gene TSC2, which is intolerant of Loss of Function variants, as indicated by the presence of existing pathogenic loss of function variant NP_000539.2:p.T5Qfs*7 and 472 others. There are 306 downstream pathogenic loss of function variants, with the furthest variant being 1311 residues downstream of the variant p.E498Rfs*37. For these reasons, this variant has been classified as Likely Pathogenic.

Tuberous sclerosis database (TSC2)
No classification provided. Condition: TSC. Review status: no classification provided. Criteria: Tuberous Sclerosis Database Assertion Criteria 2015. Collection method: curation. Allele origin: germline. Affected: yes. Not counted in ClinVar's aggregate classification.

NM_000548.5(TSC2):c.1491del (p.Glu498fs)

Gene: TSC2 (TSC complex subunit 2; plus strand). Cytogenetic location: 16p13.3.
Variant type: Deletion.
Coding change: c.1491del on transcript NM_000548.5 (MANE Select); coding-DNA position 1491, one base deleted (C; older notation c.1491delC).
Protein change: p.Glu498fs; shifts the reading frame from glutamic acid 498.
Molecular consequence: frameshift variant.
Genome position (GRCh38, 1-based): chr16:2,064,319, C deleted; the last of 4 consecutive C bases (chr16:2,064,316-2,064,319); deleting any one gives the same sequence. VCF-style (leftmost placement, unchanged base first): chr16-2064315-TC-T. GRCh37 (hg19) VCF-style: chr16-2114316-TC-T.
Other names: c.1491del, p.Glu498fs (NM_001077183.3, NM_001114382.3, NM_001363528.2 and 3 more transcripts); c.1380del, p.Glu461fs (NM_001318827.2); c.1344del, p.Glu449fs (NM_001318829.2); c.891del, p.Glu298fs (NM_001318831.2); c.1524del, p.Glu509fs (NM_001318832.2); c.1491delC (NM_000548.4); short protein forms E298fs, E461fs, E498fs, E449fs, E509fs.
Identifiers: ClinVar variation 49636 (VCV000049636.3), dbSNP rs137854346, ClinGen allele CA014961.